The following is an entry in ClinVar:

ClinVar aggregate classification (germline): Uncertain significance (1 of 4 stars; one submission).

Conditions:
Congenital contractural arachnodactyly (CCA). Also called: BEALS SYNDROME; Beals-Hecht syndrome; Arthrogryposis, distal, type 9. Identifiers: Orphanet 115, MedGen C0220668, MONDO:0007363, OMIM 121050.

Submission:

Labcorp Genetics (formerly Invitae), Labcorp
Classification: Uncertain significance for Congenital contractural arachnodactyly. Last evaluated: 2019-05-06. Review status: criteria provided, single submitter. Criteria: Invitae Variant Classification Sherloc (09022015). Collection method: clinical testing. Allele origin: germline.
Comment: In summary, the available evidence is currently insufficient to determine the role of this variant in disease. Therefore, it has been classified as a Variant of Uncertain Significance. Algorithms developed to predict the effect of missense changes on protein structure and function (SIFT, PolyPhen-2, Align-GVGD) all suggest that this variant is likely to be disruptive, but these predictions have not been confirmed by published functional studies and their clinical significance is uncertain. This sequence change replaces aspartic acid with glutamic acid at codon 1970 of the FBN2 protein (p.Asp1970Glu). The aspartic acid residue is highly conserved and there is a small physicochemical difference between aspartic acid and glutamic acid. This variant is not present in population databases (ExAC no frequency). This variant has not been reported in the literature in individuals with FBN2-related conditions.

NM_001999.4(FBN2):c.5910T>G (p.Asp1970Glu)

Gene: FBN2 (fibrillin 2; minus strand). Cytogenetic location: 5q23.3.
Variant type: single nucleotide variant.
Coding change: c.5910T>G on transcript NM_001999.4 (MANE Select); coding-DNA position 5910, T replaced by G.
Protein change: p.Asp1970Glu; replaces aspartic acid 1970 with glutamic acid.
Molecular consequence: missense variant.
Genome position (GRCh38, 1-based): chr5:128,302,980, A>C on the plus strand (T>G on the coding strand, the complement: FBN2 is on the minus strand). VCF-style: chr5-128302980-A-C. GRCh37 (hg19) VCF-style: chr5-127638672-A-C.
Other names: short protein forms D1970E.
Identifiers: ClinVar variation 853245 (VCV000853245.10), dbSNP rs1749761553, ClinGen allele CA360738782.